The following is an entry in ClinVar:

ClinVar aggregate classification (germline): Likely benign (1 of 4 stars; one submission).

Submission:

CeGaT Center for Human Genetics Tuebingen
Classification: Likely benign. Last evaluated: 2023-03-01. Review status: criteria provided, single submitter. Criteria: CeGaT Center For Human Genetics Tuebingen Variant Classification Criteria Version 2. Collection method: clinical testing. Allele origin: germline. Affected: yes. Observed: 1 variant allele.
Comment: AHNAK: BP4, BP7

NM_001620.3(AHNAK):c.12909T>A (p.Pro4303=)

Gene: AHNAK (AHNAK nucleoprotein; minus strand). Cytogenetic location: 11q12.3.
Variant type: single nucleotide variant.
Coding change: c.12909T>A on transcript NM_001620.3 (MANE Select); coding-DNA position 12909, T replaced by A.
Protein change: p.Pro4303=; no amino-acid change (proline 4303 retained).
Molecular consequence: synonymous variant. On other transcripts: intron variant (1).
Genome position (GRCh38, 1-based): chr11:62,521,508, A>T on the plus strand (T>A on the coding strand, the complement: AHNAK is on the minus strand). VCF-style: chr11-62521508-A-T. GRCh37 (hg19) VCF-style: chr11-62288980-A-T.
Other names: c.12909T>A, p.Pro4303= (NM_001346445.2, NM_001346446.2); c.342+13495T>A (NM_024060.4).
Identifiers: ClinVar variation 2641861 (VCV002641861.24), dbSNP rs1395115109, ClinGen allele CA475119063.